The following is an entry in ClinVar:

ClinVar aggregate classification (germline): Uncertain significance (1 of 4 stars; one submission).

gnomAD v4.1: 90 of 765,336 alleles (0.012%); highest among the groups gnomAD compares: Middle Eastern, 0.11%; 2 homozygotes.

Submission:

Labcorp Genetics (formerly Invitae), Labcorp
Classification: Uncertain significance. Last evaluated: 2023-12-06. Review status: criteria provided, single submitter. Criteria: Invitae Variant Classification Sherloc (09022015). Collection method: clinical testing. Allele origin: germline.
Comment: This variant occurs in the SNORD118 gene, which encodes an RNA molecule that does not result in a protein product. This variant is present in population databases (rs201264521, gnomAD 0.03%). This variant has not been reported in the literature in individuals affected with SNORD118-related conditions. ClinVar contains an entry for this variant (Variation ID: 1516111). Experimental studies and prediction algorithms are not available or were not evaluated, and the functional significance of this variant is currently unknown. In summary, the available evidence is currently insufficient to determine the role of this variant in disease. Therefore, it has been classified as a Variant of Uncertain Significance.

NR_033294.2(SNORD118):n.48T>C

Genes: SNORD118 (small nucleolar RNA, C/D box 118; minus strand), TMEM107 (transmembrane protein 107; minus strand). Cytogenetic location: 17p13.1.
Variant type: single nucleotide variant.
Molecular consequence: non-coding transcript variant (on NR_033294.2). On other transcripts: 3 prime UTR variant (5).
Genome position: GRCh38 VCF-style: chr17-8173541-A-G. GRCh37 (hg19) VCF-style: chr17-8076859-A-G.
Other names: c.*662T>C (NM_001351278.2, NM_001351279.2, NM_001351280.2 and 2 more transcripts).
Identifiers: ClinVar variation 1516111 (VCV001516111.4), dbSNP rs201264521, ClinGen allele CA8370736.
Genomic context (GRCh38, chr17:8,173,541, plus strand): 5'-AAGTCCTGATTACGCAGAGACGTTAATCACGTTTCATGCATCTCCAATCATCATGTTCTA[A>G]TCTGCCCTCCGGAGGAGGAACAGGTAAGGATTATCCCACCTGACGATACAGACAAACAGC-3'